The following is an entry in ClinVar:

ClinVar aggregate classification (germline): Uncertain significance (1 of 4 stars; one submission).

Conditions:
Cranioectodermal dysplasia 1 (CED1). Also called: LEVIN SYNDROME I. Identifiers: Orphanet 1515, MedGen C0432235, MONDO:0021093, OMIM 218330.

Allele frequency attached by ClinVar (database versions not stated): gnomAD exomes 0.00001.
gnomAD v4.1: 13 of 1,614,118 alleles (0.00081%); highest among the groups gnomAD compares: Non-Finnish European, 0.001%; no homozygotes.

Submission:

Labcorp Genetics (formerly Invitae), Labcorp
Classification: Uncertain significance for Cranioectodermal dysplasia 1. Last evaluated: 2021-09-21. Review status: criteria provided, single submitter. Criteria: Invitae Variant Classification Sherloc (09022015). Collection method: clinical testing. Allele origin: germline.
Comment: In summary, the available evidence is currently insufficient to determine the role of this variant in disease. Therefore, it has been classified as a Variant of Uncertain Significance. Algorithms developed to predict the effect of missense changes on protein structure and function are either unavailable or do not agree on the potential impact of this missense change (SIFT: "Deleterious"; PolyPhen-2: "Probably Damaging"; Align-GVGD: "Class C0"). This variant has not been reported in the literature in individuals affected with IFT122-related conditions. This variant is not present in population databases (ExAC no frequency). This sequence change replaces leucine with phenylalanine at codon 441 of the IFT122 protein (p.Leu441Phe). The leucine residue is highly conserved and there is a small physicochemical difference between leucine and phenylalanine.

NM_052989.3(IFT122):c.1168C>T (p.Leu390Phe)

Gene: IFT122 (intraflagellar transport 122; plus strand). Cytogenetic location: 3q21.3.
Variant type: single nucleotide variant.
Coding change: c.1168C>T on transcript NM_052989.3 (MANE Select); coding-DNA position 1168, C replaced by T.
Protein change: p.Leu390Phe; replaces leucine 390 with phenylalanine.
Molecular consequence: missense variant.
Genome position (GRCh38, 1-based): chr3:129,478,036, C>T. VCF-style: chr3-129478036-C-T. GRCh37 (hg19) VCF-style: chr3-129196879-C-T.
Other names: c.1144C>T, p.Leu382Phe (NM_001280541.2); c.718C>T, p.Leu240Phe (NM_001280545.2); c.541C>T, p.Leu181Phe (NM_001280546.2); c.991C>T, p.Leu331Phe (NM_018262.4); c.1321C>T, p.Leu441Phe (NM_052985.4); c.835C>T, p.Leu279Phe (NM_052990.3); short protein forms L240F, L279F, L390F, L181F, L331F, L382F, L441F.
Identifiers: ClinVar variation 1417470 (VCV001417470.6), dbSNP rs2108292713, ClinGen allele CA354473936.